The following is an entry in ClinVar:

NM_000202.8(IDS):c.1006+5G>C

Genes: IDS (iduronate 2-sulfatase; minus strand), LOC106050102 (IDS recombination region; plus strand). Cytogenetic location: Xq28.
Variant type: single nucleotide variant.
Coding change: c.1006+5G>C on transcript NM_000202.8 (MANE Select); 5 bases into the intron after coding-DNA position 1006, G replaced by C.
Molecular consequence: intron variant.
Genome position (GRCh38, 1-based): chrX:149,490,309, C>G on the plus strand (G>C on the coding strand, the complement: IDS is on the minus strand). VCF-style: chrX-149490309-C-G. GRCh37 (hg19) VCF-style: chrX-148571840-C-G.
Other names: c.736+5G>C (NM_001166550.4); c.1006+5G>C (NM_006123.5).
Identifiers: ClinVar variation 3255906 (VCV003255906.2).
Genomic context (GRCh38, chrX:149,490,309, plus strand): 5'-TGCAAAGCATGTTTCACAGGAAAGTTCAGATGTTTTGACTCACCAGGGAATTTCAAAATG[C>G]TTACCATGATCCGAGGTAAATGCAATGATGGTGCTGTTGGCCAGCTGAAGATCGTCCAAA-3'

ClinVar aggregate classification (germline): Likely pathogenic (1 of 4 stars; one submission).

Conditions:
Mucopolysaccharidosis, MPS-II (MPS2). Also called: Hunter Syndrome; IDURONATE 2-SULFATASE DEFICIENCY; Mucopolysaccharidosis Type II; Mucopolysaccharidosis type 2; Attenuated MPS (subtype; formerly known as mild MPS II); Severe MPS II. Identifiers: Orphanet 580, Orphanet 79388, MedGen C0026705, MONDO:0010674, OMIM 309900.

Submission:

Laboratory of Diagnosis and Therapy of Lysosomal Disorders, University of Padova
Classification: Likely pathogenic for Mucopolysaccharidosis, MPS-II. Last evaluated: 2024-06-07. Review status: criteria provided, single submitter. Criteria: ACMG Guidelines, 2015. Collection method: literature only. Allele origin: germline. Affected: yes. Observed: 3 variant alleles.
Comment: In vitro or in vivo functional studies supportive of a damaging effect (PS3_Moderate), Absent from controls (or at low frequency) in gnomAD database (PM2_Moderate), Patient’s phenotype or family history highly specific for the disease (PP4_Strong)

Classification method: ACMG Guidelines [PMID:25741868] with modifications

Literature cited by the submitters: PubMed 17655837; PubMed 9950361; PubMed 31877959.